The following is an entry in ClinVar:

ClinVar aggregate classification (germline): Likely benign. Review status: criteria provided, multiple submitters, no conflicts (2 of 4 stars). 3 submissions from 3 submitters: Likely benign (3). Last evaluated 2023-02-01.

Allele frequency attached by ClinVar (database versions not stated): 1000 Genomes Project 0.00180; ESP Exome Variant Server 0.00200; 1000 Genomes Project 30x 0.00203; gnomAD 0.00217 and 0.00231; gnomAD exomes 0.00241 and 0.00321; ExAC 0.00243; TOPMed 0.00260.
gnomAD v4.1: 5,078 of 1,613,908 alleles (0.31%); highest among the groups gnomAD compares: Middle Eastern, 0.61%; 12 homozygotes.

Submissions (3):

CeGaT Center for Human Genetics Tuebingen
Classification: Likely benign. Last evaluated: 2023-02-01. Review status: criteria provided, single submitter. Criteria: CeGaT Center For Human Genetics Tuebingen Variant Classification Criteria Version 2. Collection method: clinical testing. Allele origin: germline. Affected: yes. Observed: 1 variant allele.
Comment: SETDB1: BP4, BS2

Labcorp Genetics (formerly Invitae), Labcorp
Classification: Likely benign. Last evaluated: 2018-03-29. Review status: criteria provided, single submitter. Criteria: Invitae Variant Classification Sherloc (09022015). Collection method: clinical testing. Allele origin: germline.

Breakthrough Genomics
Classification: Likely benign. Review status: criteria provided, single submitter. Criteria: ACMG Guidelines, 2015. Collection method: not provided. Allele origin: germline. Inheritance: Unknown mechanism. Affected: yes.

NM_001366418.1(SETDB1):c.2933C>T (p.Pro978Leu)

Gene: SETDB1 (SET domain bifurcated histone lysine methyltransferase 1; plus strand). Cytogenetic location: 1q21.3.
Variant type: single nucleotide variant.
Coding change: c.2933C>T on transcript NM_001366418.1 (MANE Select); coding-DNA position 2933, C replaced by T.
Protein change: p.Pro978Leu; replaces proline 978 with leucine.
Molecular consequence: missense variant.
Genome position (GRCh38, 1-based): chr1:150,960,992, C>T. VCF-style: chr1-150960992-C-T. GRCh37 (hg19) VCF-style: chr1-150933468-C-T.
Other names: c.2930C>T, p.Pro977Leu (NM_001145415.2, NM_012432.4); c.2933C>T, p.Pro978Leu (NM_001366417.1); short protein forms P977L, P978L.
Identifiers: ClinVar variation 788766 (VCV000788766.28), dbSNP rs113110991, ClinGen allele CA1082034.